The following is an entry in ClinVar:

ClinVar aggregate classification (germline): Uncertain significance. Review status: criteria provided, multiple submitters, no conflicts (2 of 4 stars). 3 submissions from 3 submitters: Uncertain significance (3). Last evaluated 2025-04-16.

Conditions:
Inborn genetic diseases. Identifiers: MedGen C0950123, MeSH D030342.
Developmental and epileptic encephalopathy, 12 (DEE12). Identifiers: MedGen C3150988, MONDO:0013389, OMIM 613722.

Allele frequency attached by ClinVar (database versions not stated): TOPMed 0.00004; ExAC 0.00009; gnomAD 0.00011 and 0.00012; 1000 Genomes Project 30x 0.00016; 1000 Genomes Project 0.00020.
gnomAD v4.1: 45 of 1,591,890 alleles (0.0028%); highest among the groups gnomAD compares: African/African-American, 0.035%; no homozygotes.

Submissions (3):

GeneDx
Classification: Uncertain significance. Last evaluated: 2025-04-16. Review status: criteria provided, single submitter. Criteria: GeneDx Variant Classification Process June 2021. Collection method: clinical testing. Allele origin: germline. Affected: yes.
Comment: In silico analysis supports that this missense variant does not alter protein structure/function; Has not been previously published as pathogenic or benign to our knowledge; This variant is associated with the following publications: (PMID: 22508754)

Labcorp Genetics (formerly Invitae), Labcorp
Classification: Uncertain significance for Developmental and epileptic encephalopathy, 12. Last evaluated: 2022-09-01. Review status: criteria provided, single submitter. Criteria: Invitae Variant Classification Sherloc (09022015). Collection method: clinical testing. Allele origin: germline.
Comment: This sequence change replaces arginine, which is basic and polar, with histidine, which is basic and polar, at codon 404 of the PNKP protein (p.Arg404His). The frequency data for this variant in the population databases is considered unreliable, as metrics indicate poor data quality at this position in the gnomAD database. This variant has not been reported in the literature in individuals affected with PNKP-related conditions. ClinVar contains an entry for this variant (Variation ID: 663468). Algorithms developed to predict the effect of missense changes on protein structure and function (SIFT, PolyPhen-2, Align-GVGD) all suggest that this variant is likely to be tolerated. In summary, the available evidence is currently insufficient to determine the role of this variant in disease. Therefore, it has been classified as a Variant of Uncertain Significance.

Ambry Genetics
Classification: Uncertain significance for Inborn genetic diseases. Last evaluated: 2018-04-02. Review status: criteria provided, single submitter. Criteria: Ambry Variant Classification Scheme 2023. Collection method: clinical testing. Allele origin: germline.
Comment: The p.R404H variant (also known as c.1211G>A), located in coding exon 13 of the PNKP gene, results from a G to A substitution at nucleotide position 1211. The arginine at codon 404 is replaced by histidine, an amino acid with highly similar properties. This amino acid position is not well conserved in available vertebrate species. In addition, this alteration is predicted to be tolerated by in silico analysis. Since supporting evidence is limited at this time, the clinical significance of this alteration remains unclear.

NM_007254.4(PNKP):c.1211G>A (p.Arg404His)

Gene: PNKP (polynucleotide kinase 3'-phosphatase; minus strand). Cytogenetic location: 19q13.33.
Variant type: single nucleotide variant.
Coding change: c.1211G>A on transcript NM_007254.4 (MANE Select); coding-DNA position 1211, G replaced by A.
Protein change: p.Arg404His; replaces arginine 404 with histidine.
Molecular consequence: missense variant.
Genome position (GRCh38, 1-based): chr19:49,861,859, C>T on the plus strand (G>A on the coding strand, the complement: PNKP is on the minus strand). VCF-style: chr19-49861859-C-T. GRCh37 (hg19) VCF-style: chr19-50365116-C-T.
Other names: c.1211G>A (NM_007254.2); short protein forms R404H.
Identifiers: ClinVar variation 663468 (VCV000663468.9), dbSNP rs549069697, ClinGen allele CA9586514.